The following is an entry in ClinVar:

NM_000081.4(LYST):c.10345C>T (p.Arg3449Ter)

Gene: LYST (lysosomal trafficking regulator; minus strand). Cytogenetic location: 1q42.3.
Variant type: single nucleotide variant.
Coding change: c.10345C>T on transcript NM_000081.4 (MANE Select); coding-DNA position 10345, C replaced by T.
Protein change: p.Arg3449Ter; replaces arginine 3449 with a stop codon.
Molecular consequence: nonsense.
Genome position (GRCh38, 1-based): chr1:235,702,776, G>A on the plus strand (C>T on the coding strand, the complement: LYST is on the minus strand). VCF-style: chr1-235702776-G-A. GRCh37 (hg19) VCF-style: chr1-235866076-G-A.
Other names: c.10345C>T, p.Arg3449Ter (NM_001301365.1); short protein forms R3449*.
Identifiers: ClinVar variation 280681 (VCV000280681.12), dbSNP rs754616030, ClinGen allele CA1465393.
Genomic context (GRCh38, chr1:235,702,776, plus strand): 5'-GCTGCACTCGATTGAAATCCAAATGACATACCGGATAGGTGATTTCTTTGACCTGTTCTC[G>A]GGTCTCCCTGAAAGCAAACTGCACTAGCAACCCCACAGCAGCTGGAAGCTCTCCTTCAAT-3'

ClinVar aggregate classification (germline): Pathogenic/Likely pathogenic. Review status: criteria provided, multiple submitters, no conflicts (2 of 4 stars). 4 submissions from 4 submitters: Pathogenic (1); Likely pathogenic (3). Last evaluated 2024-03-13.

Conditions:
Chédiak-Higashi syndrome (CHS). Also called: Chediak-Higashi Syndrome. Identifiers: Orphanet 167, MedGen C0007965, MONDO:0008963, OMIM 214500.

Allele frequency attached by ClinVar (database versions not stated): gnomAD exomes below 0.00001; ExAC 0.00001.
gnomAD v4.1: 4 of 1,614,066 alleles (0.00025%); highest among the groups gnomAD compares: East Asian, 0.0022%; no homozygotes.

Submissions (4):

Labcorp Genetics (formerly Invitae), Labcorp
Classification: Pathogenic for Chédiak-Higashi syndrome. Last evaluated: 2024-03-13. Review status: criteria provided, single submitter. Criteria: Invitae Variant Classification Sherloc (09022015). Collection method: clinical testing. Allele origin: germline.
Comment: This sequence change creates a premature translational stop signal (p.Arg3449*) in the LYST gene. It is expected to result in an absent or disrupted protein product. Loss-of-function variants in LYST are known to be pathogenic (PMID: 9215679, 11857544). This variant is present in population databases (rs754616030, gnomAD 0.003%). This variant has not been reported in the literature in individuals affected with LYST-related conditions. ClinVar contains an entry for this variant (Variation ID: 280681). For these reasons, this variant has been classified as Pathogenic.

Fulgent Genetics
Classification: Likely pathogenic for Chédiak-Higashi syndrome. Last evaluated: 2024-02-15. Review status: criteria provided, single submitter. Criteria: ACMG Guidelines, 2015. Collection method: clinical testing. Allele origin: germline.

Baylor Genetics
Classification: Likely pathogenic for Chédiak-Higashi syndrome. Last evaluated: 2023-12-15. Review status: criteria provided, single submitter. Criteria: ACMG Guidelines, 2015. Collection method: clinical testing. Allele origin: unknown.

GeneDx
Classification: Likely pathogenic. Last evaluated: 2019-09-05. Review status: criteria provided, single submitter. Criteria: GeneDx Variant Classification Process June 2021. Collection method: clinical testing. Allele origin: germline. Affected: yes.
Comment: Nonsense variant predicted to result in protein truncation or nonsense mediated decay in a gene for which loss-of-function is a known mechanism of disease; Not observed at a significant frequency in large population cohorts (Lek et al., 2016); Has not been previously published as pathogenic or benign to our knowledge

Literature cited by the submitters: PubMed 9215679 (cited by Labcorp Genetics (formerly Invitae), Labcorp); PubMed 11857544 (cited by Labcorp Genetics (formerly Invitae), Labcorp).